The following is an entry in ClinVar:

ClinVar aggregate classification (germline): Pathogenic (1 of 4 stars; one submission).

Submission:

Labcorp Genetics (formerly Invitae), Labcorp
Classification: Pathogenic. Last evaluated: 2022-08-16. Review status: criteria provided, single submitter. Criteria: Invitae Variant Classification Sherloc (09022015). Collection method: clinical testing. Allele origin: germline.
Comment: This sequence change creates a premature translational stop signal (p.Gly727Valfs*37) in the SLC12A6 gene. It is expected to result in an absent or disrupted protein product. Loss-of-function variants in SLC12A6 are known to be pathogenic (PMID: 12368912, 16606917). This variant is not present in population databases (gnomAD no frequency). This variant has not been reported in the literature in individuals affected with SLC12A6-related conditions. For these reasons, this variant has been classified as Pathogenic.

Literature cited by the submitters: PubMed 12368912; PubMed 16606917.

NM_001365088.1(SLC12A6):c.2180del (p.Gly727fs)

Gene: SLC12A6 (solute carrier family 12 member 6; minus strand). Cytogenetic location: 15q14.
Variant type: Deletion.
Coding change: c.2180del on transcript NM_001365088.1 (MANE Select); coding-DNA position 2180, one base deleted (G; older notation c.2180delG).
Protein change: p.Gly727fs; shifts the reading frame from glycine 727.
Molecular consequence: frameshift variant.
Genome position (GRCh38, 1-based): chr15:34,241,320, C deleted on the plus strand (G on the coding strand, the reverse complement: SLC12A6 is on the minus strand); the first of 4 consecutive C bases (chr15:34,241,320-34,241,323); deleting any one gives the same sequence. VCF-style (leftmost placement, unchanged base first): chr15-34241319-AC-A. GRCh37 (hg19) VCF-style: chr15-34533520-AC-A.
Other names: c.2003del, p.Gly668fs (NM_001042494.2, NM_001042495.2); c.2153del, p.Gly718fs (NM_001042496.2); c.2135del, p.Gly712fs (NM_001042497.2); c.2027del, p.Gly676fs (NM_005135.2); c.2180del, p.Gly727fs (NM_133647.2); short protein forms G718fs, G668fs, G676fs, G712fs, G727fs.
Identifiers: ClinVar variation 2110920 (VCV002110920.4), dbSNP rs2509764361, ClinGen allele CA2580089245.